The following is an entry in ClinVar:

ClinVar aggregate classification (germline): Uncertain significance (1 of 4 stars; one submission).

Conditions:
Familial thoracic aortic aneurysm and aortic dissection (TAAD). Also called: Thoracic aortic aneurysms and dissections. Identifiers: Orphanet 91387, MedGen C4707243, MONDO:0019625.

gnomAD v4.1: 3 of 1,613,996 alleles (0.00019%); highest among the groups gnomAD compares: Admixed American, 0.005%; no homozygotes.

Submission:

Ambry Genetics
Classification: Uncertain significance for Familial thoracic aortic aneurysm and aortic dissection. Last evaluated: 2026-02-12. Review status: criteria provided, single submitter. Criteria: Ambry Variant Classification Scheme 2023. Collection method: clinical testing. Allele origin: germline.
Comment: The p.I283T variant (also known as c.848T>C), located in coding exon 5 of the TGFB3 gene, results from a T to C substitution at nucleotide position 848. The isoleucine at codon 283 is replaced by threonine, an amino acid with similar properties. This amino acid position is not well conserved in available vertebrate species. In addition, this alteration is predicted to be tolerated by in silico analysis. Based on the available evidence, the clinical significance of this variant remains unclear.

NM_003239.5(TGFB3):c.848T>C (p.Ile283Thr)

Gene: TGFB3 (transforming growth factor beta 3; minus strand). Cytogenetic location: 14q24.3.
Variant type: single nucleotide variant.
Coding change: c.848T>C on transcript NM_003239.5 (MANE Select); coding-DNA position 848, T replaced by C.
Protein change: p.Ile283Thr; replaces isoleucine 283 with threonine.
Molecular consequence: missense variant.
Genome position (GRCh38, 1-based): chr14:75,963,394, A>G on the plus strand (T>C on the coding strand, the complement: TGFB3 is on the minus strand). VCF-style: chr14-75963394-A-G. GRCh37 (hg19) VCF-style: chr14-76429737-A-G.
Other names: c.848T>C, p.Ile283Thr (NM_001329938.2, NM_001329939.2); short protein forms I283T.
Identifiers: ClinVar variation 4824834 (VCV004824834.1).
Genomic context (GRCh38, chr14:75,963,394, plus strand): 5'-TCCAAAGCCCGCTTCTTCCTCTGACCCCCCTGGCCCGGGTTGTCGAGCCGGTGTGGGGGA[A>G]TCATCATGAGGATTAGATGAGGGTTGTGGTGATCCTTCTGCTTCTTGAGGCGCCCCAGAT-3'
Protein context (NP_003230.1, residues 273-293): HHNPHLILMM[Ile283Thr]PPHRLDNPGQ